The following is an entry in ClinVar:

ClinVar aggregate classification (germline): Uncertain significance (1 of 4 stars; one submission).

Conditions:
Inborn genetic diseases. Identifiers: MedGen C0950123, MeSH D030342.

Allele frequency attached by ClinVar (database versions not stated): gnomAD exomes below 0.00001.

Submission:

Ambry Genetics
Classification: Uncertain significance for Inborn genetic diseases. Last evaluated: 2024-04-04. Review status: criteria provided, single submitter. Criteria: Ambry Variant Classification Scheme 2023. Collection method: clinical testing. Allele origin: germline.
Comment: The p.S26G variant (also known as c.76A>G), located in coding exon 1 of the ACD gene, results from an A to G substitution at nucleotide position 76. The serine at codon 26 is replaced by glycine, an amino acid with similar properties. This amino acid position is conserved. In addition, this alteration is predicted to be tolerated by in silico analysis. Since supporting evidence is limited at this time, the clinical significance of this alteration remains unclear.

NM_001082486.1(ACD):c.76A>G (p.Ser26Gly)

Genes: ACD (ACD shelterin complex subunit and telomerase recruitment factor; minus strand), LOC130059224 (ATAC-STARR-seq lymphoblastoid silent region 7617; plus strand). Cytogenetic location: 16q22.1.
Variant type: single nucleotide variant.
Coding change: c.76A>G on transcript NM_001082486.1; coding-DNA position 76, A replaced by G.
Protein change: p.Ser26Gly; replaces serine 26 with glycine.
Genome position (GRCh38, 1-based): chr16:67,660,403, T>C on the plus strand (A>G on the coding strand, the complement: ACD is on the minus strand). VCF-style: chr16-67660403-T-C. GRCh37 (hg19) VCF-style: chr16-67694306-T-C.
Other names: short protein forms S26G.
Identifiers: ClinVar variation 1760198 (VCV001760198.3), dbSNP rs2543613279, ClinGen allele CA396359920.